The following is an entry in ClinVar:

ClinVar aggregate classification (germline): Uncertain significance (1 of 4 stars; one submission).

Conditions:
Congenital myotonia, autosomal dominant form (THD). Also called: THOMSEN DISEASE; Myotonia congenita autosomal dominant. Identifiers: Orphanet 614, MedGen C2936781, MONDO:0008055, OMIM 160800.
Congenital myotonia, autosomal recessive form. Also called: BECKER DISEASE; Becker Generalized Myotonia; myotonia congenita, autosomal recessive. Identifiers: Orphanet 614, MedGen C0751360, MONDO:0009715, OMIM 255700.

Submission:

Labcorp Genetics (formerly Invitae), Labcorp
Classification: Uncertain significance for Congenital myotonia, autosomal recessive form; Congenital myotonia, autosomal dominant form. Last evaluated: 2025-06-30. Review status: criteria provided, single submitter. Criteria: Invitae Variant Classification Sherloc (09022015). Collection method: clinical testing. Allele origin: germline.
Comment: This sequence change affects codon 653 of the CLCN1 mRNA. It is a 'silent' change, meaning that it does not change the encoded amino acid sequence of the CLCN1 protein. Information on the frequency of this variant in the gnomAD database is not available, as this variant may be reported differently in the database. This variant has not been reported in the literature in individuals affected with CLCN1-related conditions. Experimental studies and prediction algorithms are not available or were not evaluated, and the effect of this variant on mRNA splicing is currently unknown. In summary, the available evidence is currently insufficient to determine the role of this variant in disease. Therefore, it has been classified as a Variant of Uncertain Significance.

NM_000083.3(CLCN1):c.1959_1960delinsAA (p.Glu653_Arg654=)

Genes: CLCN1 (chloride voltage-gated channel 1; plus strand), LOC123956257 (Sharpr-MPRA regulatory region 4117; plus strand). Cytogenetic location: 7q34.
Variant type: Indel.
Coding change: c.1959_1960delinsAA on transcript NM_000083.3 (MANE Select); coding-DNA positions 1959 to 1960, GC replaced by AA.
Protein change: p.Glu653_Arg654=.
Molecular consequence: synonymous variant. On other transcripts: non-coding transcript variant (1).
Genome position (GRCh38, 1-based): chr7:143,345,549-143,345,550, GC replaced by AA. VCF-style: chr7-143345549-GC-AA. GRCh37 (hg19) VCF-style: chr7-143042642-GC-AA.
Identifiers: ClinVar variation 4790209 (VCV004790209.1).